The following is an entry in ClinVar:

NM_018368.4(LMBRD1):c.695A>G (p.Tyr232Cys)

Gene: LMBRD1 (LMBR1 domain containing 1; minus strand). Cytogenetic location: 6q13.
Variant type: single nucleotide variant.
Coding change: c.695A>G on transcript NM_018368.4 (MANE Select); coding-DNA position 695, A replaced by G.
Protein change: p.Tyr232Cys; replaces tyrosine 232 with cysteine.
Molecular consequence: missense variant.
Genome position (GRCh38, 1-based): chr6:69,719,023, T>C on the plus strand (A>G on the coding strand, the complement: LMBRD1 is on the minus strand). VCF-style: chr6-69719023-T-C. GRCh37 (hg19) VCF-style: chr6-70428915-T-C.
Other names: c.476A>G, p.Tyr159Cys (NM_001363722.2, NM_001367271.1, NM_001367272.1); short protein forms Y232C, Y159C.
Identifiers: ClinVar variation 1987161 (VCV001987161.1), dbSNP rs1766554634, ClinGen allele CA364668918.
Genomic context (GRCh38, chr6:69,719,023, plus strand): 5'-TTAATCGTTTGAATGTGTTGTTCTACTTCTTCAATGTCTTCAGTGTTTTCCAAACGTTCA[T>C]AAGCAGCGCTTCTAGTGCCTTTTATCAGATTTAAAGGTAACGCAGACATGCCATAGGCCT-3'
Protein context (NP_060838.3, residues 222-242): NLIKGTRSAA[Tyr232Cys]ERLENTEDIE

ClinVar aggregate classification (germline): Uncertain significance (1 of 4 stars; one submission).

Conditions:
Methylmalonic aciduria and homocystinuria type cblF. Also called: COBALAMIN F DISEASE; COBALAMIN, DEFECT IN LYSOSOMAL RELEASE OF; METHYLMALONIC ACIDEMIA AND HOMOCYSTINURIA, cblF TYPE; METHYLMALONIC ACIDURIA DUE TO VITAMIN B12-RELEASE DEFECT; VITAMIN B12 LYSOSOMAL RELEASE DEFECT; VITAMIN B12 STORAGE DISEASE. Identifiers: Orphanet 79284, MedGen C1848578, MONDO:0010183, OMIM 277380.

Allele frequency attached by ClinVar (database versions not stated): TOPMed below 0.00001.

Submission:

Labcorp Genetics (formerly Invitae), Labcorp
Classification: Uncertain significance for Methylmalonic aciduria and homocystinuria type cblF. Last evaluated: 2022-06-08. Review status: criteria provided, single submitter. Criteria: Invitae Variant Classification Sherloc (09022015). Collection method: clinical testing. Allele origin: germline.
Comment: This sequence change replaces tyrosine, which is neutral and polar, with cysteine, which is neutral and slightly polar, at codon 232 of the LMBRD1 protein (p.Tyr232Cys). This variant is not present in population databases (gnomAD no frequency). This variant has not been reported in the literature in individuals affected with LMBRD1-related conditions. Algorithms developed to predict the effect of missense changes on protein structure and function (SIFT, PolyPhen-2, Align-GVGD) all suggest that this variant is likely to be disruptive. In summary, the available evidence is currently insufficient to determine the role of this variant in disease. Therefore, it has been classified as a Variant of Uncertain Significance.